The following is an entry in ClinVar:

NM_001042492.3(NF1):c.6154G>A (p.Gly2052Arg)

Gene: NF1 (neurofibromin 1; plus strand). Cytogenetic location: 17q11.2.
Variant type: single nucleotide variant.
Coding change: c.6154G>A on transcript NM_001042492.3 (MANE Select); coding-DNA position 6154, G replaced by A.
Protein change: p.Gly2052Arg; replaces glycine 2052 with arginine.
Molecular consequence: missense variant.
Genome position (GRCh38, 1-based): chr17:31,336,641, G>A. VCF-style: chr17-31336641-G-A. GRCh37 (hg19) VCF-style: chr17-29663659-G-A.
Other names: c.6091G>A, p.Gly2031Arg (NM_000267.4); short protein forms G2031R, G2052R.
Identifiers: ClinVar variation 1021169 (VCV001021169.5), dbSNP rs2069681516, ClinGen allele CA399011695.

ClinVar aggregate classification (germline): Uncertain significance (1 of 4 stars; one submission).

Conditions:
Neurofibromatosis, type 1 (NF1). Also called: Peripheral type neurofibromatosis; Neurofibromatosis, type I; VON RECKLINGHAUSEN DISEASE; NEUROFIBROMATOSIS, TYPE I, SOMATIC. Identifiers: Orphanet 636, MedGen C0027831, MONDO:0018975, OMIM 162200. Disease mechanism: loss of function.

Submission:

Labcorp Genetics (formerly Invitae), Labcorp
Classification: Uncertain significance for Neurofibromatosis, type 1. Last evaluated: 2025-04-22. Review status: criteria provided, single submitter. Criteria: Invitae Variant Classification Sherloc (09022015). Collection method: clinical testing. Allele origin: germline.
Comment: This sequence change replaces glycine, which is neutral and non-polar, with arginine, which is basic and polar, at codon 2031 of the NF1 protein (p.Gly2031Arg). This variant is not present in population databases (gnomAD no frequency). This variant has not been reported in the literature in individuals affected with NF1-related conditions. ClinVar contains an entry for this variant (Variation ID: 1021169). Invitae Evidence Modeling of protein sequence and biophysical properties (such as structural, functional, and spatial information, amino acid conservation, physicochemical variation, residue mobility, and thermodynamic stability) has been performed for this missense variant. However, the output from this modeling did not meet the statistical confidence thresholds required to predict the impact of this variant on NF1 protein function. Algorithms developed to predict the effect of sequence changes on RNA splicing suggest that this variant may disrupt the consensus splice site. In summary, the available evidence is currently insufficient to determine the role of this variant in disease. Therefore, it has been classified as a Variant of Uncertain Significance.